The following is an entry in ClinVar:

ClinVar aggregate classification (germline): Uncertain significance. Review status: criteria provided, multiple submitters, no conflicts (2 of 4 stars). 2 submissions from 2 submitters: Uncertain significance (2). Last evaluated 2023-10-13.

Allele frequency attached by ClinVar (database versions not stated): ExAC 0.00001; gnomAD exomes 0.00001.
gnomAD v4.1: 13 of 1,614,166 alleles (0.00081%); highest among the groups gnomAD compares: Non-Finnish European, 0.00042%; no homozygotes.

Submissions (2):

Labcorp Genetics (formerly Invitae), Labcorp
Classification: Uncertain significance. Last evaluated: 2023-10-13. Review status: criteria provided, single submitter. Criteria: Invitae Variant Classification Sherloc (09022015). Collection method: clinical testing. Allele origin: germline.
Comment: This sequence change replaces valine, which is neutral and non-polar, with isoleucine, which is neutral and non-polar, at codon 718 of the PITPNM3 protein (p.Val718Ile). This variant is present in population databases (rs776710664, gnomAD 0.02%). This variant has not been reported in the literature in individuals affected with PITPNM3-related conditions. ClinVar contains an entry for this variant (Variation ID: 2048689). Advanced modeling of protein sequence and biophysical properties (such as structural, functional, and spatial information, amino acid conservation, physicochemical variation, residue mobility, and thermodynamic stability) performed at Invitae indicates that this missense variant is not expected to disrupt PITPNM3 protein function. In summary, the available evidence is currently insufficient to determine the role of this variant in disease. Therefore, it has been classified as a Variant of Uncertain Significance.

Blueprint Genetics
Classification: Uncertain significance. Last evaluated: 2019-04-30. Review status: criteria provided, single submitter. Criteria: ACMG Guidelines, 2015. Collection method: clinical testing. Allele origin: germline.

NM_031220.4(PITPNM3):c.2152G>A (p.Val718Ile)

Gene: PITPNM3 (PITPNM family member 3; minus strand). Cytogenetic location: 17p13.2.
Variant type: single nucleotide variant.
Coding change: c.2152G>A on transcript NM_031220.4 (MANE Select); coding-DNA position 2152, G replaced by A.
Protein change: p.Val718Ile; replaces valine 718 with isoleucine.
Molecular consequence: missense variant.
Genome position (GRCh38, 1-based): chr17:6,464,174, C>T on the plus strand (G>A on the coding strand, the complement: PITPNM3 is on the minus strand). VCF-style: chr17-6464174-C-T. GRCh37 (hg19) VCF-style: chr17-6367494-C-T.
Other names: c.2044G>A, p.Val682Ile (NM_001165966.2); short protein forms V682I, V718I.
Identifiers: ClinVar variation 2048689 (VCV002048689.5), dbSNP rs776710664, ClinGen allele CA8329265.
Genomic context (GRCh38, chr17:6,464,174, plus strand): 5'-CTGGAAGGGCCATAGAAATGAGAGAAACCACCCTGAGAATGGCCCCTGGGTCTTACCTGA[C>T]GACCATCTTCACAGGATAGACACCAACCCCCAGGCGCCGGGGCCGCGGCACATTGTATGT-3'
Protein context (NP_112497.2, residues 708-728): GVGVYPVKMV[Val718Ile]RGDQTCAMSY